The following is an entry in ClinVar:

NM_000747.3(CHRNB1):c.759dup (p.Ala254fs)

Gene: CHRNB1 (cholinergic receptor nicotinic beta 1 subunit; plus strand). Cytogenetic location: 17p13.1.
Variant type: Duplication.
Coding change: c.759dup on transcript NM_000747.3 (MANE Select); coding-DNA position 759, one base duplicated (T; older notation c.759dupT).
Protein change: p.Ala254fs; shifts the reading frame from alanine 254.
Molecular consequence: frameshift variant.
Genome position (GRCh38, 1-based): chr17:7,448,727, T duplicated; the last of 2 consecutive T bases (chr17:7,448,726-7,448,727); duplicating either gives the same sequence. VCF-style (leftmost placement, unchanged base first): chr17-7448725-A-AT. GRCh37 (hg19) VCF-style: chr17-7352044-A-AT.
Other names: short protein forms A254fs.
Identifiers: ClinVar variation 1068934 (VCV001068934.7), dbSNP rs2150839428, ClinGen allele CA2499224911.
Genomic context (GRCh38, chr17:7,448,725, plus strand): 5'-CAGGAAGTCATCTTCTACCTCATCATCCGCCGCAAGCCTCTCTTCTACCTGGTCAACGTC[A>AT]TTGCCCCATGCATCCTCATCACTCTTCTGGCCATCTTCGTCTTCTACCTGCCACCAGATG-3'

ClinVar aggregate classification (germline): Pathogenic (1 of 4 stars; one submission).

Conditions:
Congenital myasthenic syndrome 2A. Also called: Myasthenic syndrome, congenital, 2a, slow-channel. Identifiers: Orphanet 590, MedGen C4225374, MONDO:0014581, OMIM 616313.

Submission:

Labcorp Genetics (formerly Invitae), Labcorp
Classification: Pathogenic for Congenital myasthenic syndrome 2A. Last evaluated: 2020-01-29. Review status: criteria provided, single submitter. Criteria: Invitae Variant Classification Sherloc (09022015). Collection method: clinical testing. Allele origin: germline.
Comment: For these reasons, this variant has been classified as Pathogenic. Loss-of-function variants in CHRNB1 are known to be pathogenic (PMID: 10562302). This variant has not been reported in the literature in individuals with CHRNB1-related conditions. This variant is not present in population databases (ExAC no frequency). This sequence change creates a premature translational stop signal (p.Ala254Cysfs*43) in the CHRNB1 gene. It is expected to result in an absent or disrupted protein product.

Literature cited by the submitters: PubMed 10562302.